The following is an entry in ClinVar:

NM_033360.4(KRAS):c.*4036A>G

Gene: KRAS (KRas proto-oncogene, GTPase; minus strand). Cytogenetic location: 12p12.1.
Variant type: single nucleotide variant.
Coding change: c.*4036A>G on transcript NM_033360.4 (MANE Plus Clinical); 4036 bases downstream of the stop codon, A replaced by G.
Molecular consequence: 3 prime UTR variant.
Genome position (GRCh38, 1-based): chr12:25,205,880, T>C on the plus strand (A>G on the coding strand, the complement: KRAS is on the minus strand). VCF-style: chr12-25205880-T-C. GRCh37 (hg19) VCF-style: chr12-25358814-T-C.
Other names: c.*4036A>G (LRG_344t2, NM_001369786.1); c.*3915A>G (NM_001369787.1, NM_004985.5, LRG_344t1).
Identifiers: ClinVar variation 308063 (VCV000308063.29), dbSNP rs886049179, ClinGen allele CA10641641.

ClinVar aggregate classification (germline): Benign (1 of 4 stars; one submission).

Allele frequency attached by ClinVar (database versions not stated): gnomAD 0.00011 and 0.00015; TOPMed 0.00017; gnomAD exomes 0.00037; 1000 Genomes Project 30x 0.00062.

Submission:

CeGaT Center for Human Genetics Tuebingen
Classification: Benign. Last evaluated: 2022-10-01. Review status: criteria provided, single submitter. Criteria: CeGaT Center For Human Genetics Tuebingen Variant Classification Criteria Version 2. Collection method: clinical testing. Allele origin: germline. Affected: yes. Observed: 1 variant allele.
Comment: KRAS: BS1, BS2